The following is an entry in ClinVar:

NM_024884.3(L2HGDH):c.905C>T (p.Pro302Leu)

Gene: L2HGDH (L-2-hydroxyglutarate dehydrogenase; minus strand). Cytogenetic location: 14q21.3.
Variant type: single nucleotide variant.
Coding change: c.905C>T on transcript NM_024884.3 (MANE Select); coding-DNA position 905, C replaced by T.
Protein change: p.Pro302Leu; replaces proline 302 with leucine.
Molecular consequence: missense variant.
Genome position (GRCh38, 1-based): chr14:50,269,164, G>A on the plus strand (C>T on the coding strand, the complement: L2HGDH is on the minus strand). VCF-style: chr14-50269164-G-A. GRCh37 (hg19) VCF-style: chr14-50735882-G-A.
Other names: L2HGDH, PRO302LEU; short protein forms P302L.
Identifiers: ClinVar variation 1607 (VCV000001607.42), dbSNP rs118204020, ClinGen allele CA115107.

ClinVar aggregate classification (germline): Pathogenic/Likely pathogenic. Review status: criteria provided, multiple submitters, no conflicts (2 of 4 stars). 8 submissions from 8 submitters: Pathogenic (2); Likely pathogenic (4). 2 of the submissions do not count toward it. Last evaluated 2024-02-01.

Conditions:
L-2-hydroxyglutaric aciduria (L2HGA). Identifiers: Orphanet 79314, MedGen C1855995, MONDO:0009370, OMIM 236792, HP:0040144.

Allele frequency attached by ClinVar (database versions not stated): TOPMed below 0.00001; gnomAD 0.00001; gnomAD exomes 0.00001.
gnomAD v4.1: 22 of 1,572,704 alleles (0.0014%); highest among the groups gnomAD compares: South Asian, 0.0033%; no homozygotes.

Submissions (8):

Neuberg Centre For Genomic Medicine, NCGM
Classification: Likely pathogenic for L-2-hydroxyglutaric aciduria. Last evaluated: 2024-02-01. Review status: criteria provided, single submitter. Criteria: ACMG Guidelines, 2015. Collection method: clinical testing. Allele origin: germline. Inheritance: Autosomal recessive inheritance. Affected: yes.
Comment: The above variant has been reported in individuals affected with L-2-hydroxyglutaric aciduria (Sass JO, et al.,2008; Vilarinho L, et al., 2005). For these reasons, this variant has been classified as Likely Pathogenic.

Labcorp Genetics (formerly Invitae), Labcorp
Classification: Pathogenic for L-2-hydroxyglutaric aciduria. Last evaluated: 2023-07-25. Review status: criteria provided, single submitter. Criteria: Invitae Variant Classification Sherloc (09022015). Collection method: clinical testing. Allele origin: germline.
Comment: For these reasons, this variant has been classified as Pathogenic. An algorithm developed to predict the effect of missense changes on protein structure and function (PolyPhen-2) suggests that this variant is likely to be disruptive. ClinVar contains an entry for this variant (Variation ID: 1607). This missense change has been observed in individual(s) with clinical features of L-2-hydroxyglutaric aciduria (PMID: 15385440, 16134148, 18415700; Invitae). In at least one individual the data is consistent with being in trans (on the opposite chromosome) from a pathogenic variant. This variant is present in population databases (rs118204020, gnomAD 0.003%). This sequence change replaces proline, which is neutral and non-polar, with leucine, which is neutral and non-polar, at codon 302 of the L2HGDH protein (p.Pro302Leu).

CeGaT Center for Human Genetics Tuebingen
Classification: Likely pathogenic. Last evaluated: 2022-06-01. Review status: criteria provided, single submitter. Criteria: CeGaT Center For Human Genetics Tuebingen Variant Classification Criteria Version 2. Collection method: clinical testing. Allele origin: germline. Affected: yes. Observed: 1 variant allele.
Comment: L2HGDH: PM2, PM3, PP4:Moderate, PP1, PP3

MGZ Medical Genetics Center
Classification: Likely pathogenic for L-2-hydroxyglutaric aciduria. Last evaluated: 2022-05-09. Review status: criteria provided, single submitter. Criteria: ACMG Guidelines, 2015. Collection method: clinical testing. Allele origin: germline. Affected: yes. Observed: 1 variant allele.
Comment: ACMG criteria applied: PS4_MOD, PM3, PM2_SUP, PP3

Department of Human Genetics, Hannover Medical School
Classification: Pathogenic for L-2-hydroxyglutaric aciduria. Last evaluated: 2022-02-07. Review status: criteria provided, single submitter. Criteria: ACMG Guidelines, 2015. Collection method: clinical testing. Allele origin: inherited. Inheritance: Autosomal recessive inheritance. Affected: yes.

Institute of Human Genetics, University of Leipzig Medical Center
Classification: Likely pathogenic for L-2-hydroxyglutaric aciduria. Last evaluated: 2021-03-15. Review status: criteria provided, single submitter. Criteria: ACMG Guidelines, 2015. Collection method: clinical testing. Allele origin: unknown. Affected: yes.
Comment: This variant was identified as homozygous.

Clinical Genetics Laboratory, University Hospital Schleswig-Holstein
Classification: Likely pathogenic for L-2-hydroxyglutaric aciduria. Last evaluated: 2023-09-25. Review status: no assertion criteria provided. Collection method: clinical testing. Allele origin: biparental. Affected: yes. Not counted in ClinVar's aggregate classification.

OMIM
Classification: Pathogenic for L-2-HYDROXYGLUTARIC ACIDURIA. Last evaluated: 2004-11-15. Review status: no assertion criteria provided. Collection method: literature only. Allele origin: germline. Not counted in ClinVar's aggregate classification.

Literature cited by the submitters: PubMed 15385440 (cited by Labcorp Genetics (formerly Invitae), Labcorp and OMIM); PubMed 16134148 (cited by Labcorp Genetics (formerly Invitae), Labcorp); PubMed 18415700 (cited by Labcorp Genetics (formerly Invitae), Labcorp).